The following is an entry in ClinVar:

NM_000435.3(NOTCH3):c.553T>G (p.Cys185Gly)

Gene: NOTCH3 (notch receptor 3; minus strand). Cytogenetic location: 19p13.12.
Variant type: single nucleotide variant.
Coding change: c.553T>G on transcript NM_000435.3 (MANE Select); coding-DNA position 553, T replaced by G.
Protein change: p.Cys185Gly; replaces cysteine 185 with glycine.
Molecular consequence: missense variant.
Genome position (GRCh38, 1-based): chr19:15,192,086, A>C on the plus strand (T>G on the coding strand, the complement: NOTCH3 is on the minus strand). VCF-style: chr19-15192086-A-C. GRCh37 (hg19) VCF-style: chr19-15302897-A-C.
Other names: short protein forms C185G.
Identifiers: ClinVar variation 1256528 (VCV001256528.1), dbSNP rs1568361844, ClinGen allele CA404533598.

ClinVar aggregate classification (germline): Pathogenic (1 of 4 stars; one submission).

Submission:

Athena Diagnostics
Classification: Pathogenic. Last evaluated: 2020-11-16. Review status: criteria provided, single submitter. Criteria: Athena Diagnostics criteria. Collection method: clinical testing. Allele origin: unknown.
Comment: This variant has not been reported in large, multi-ethnic general populations. This variant has been identified in at least one individual with clinical features associated with this gene. This variant alters a critical location within the protein, and is expected to severely affect function and cause disease. Greater than 90% of NOTCH3 pathogenic mutations associated with CADASIL involve the gain or loss of a cysteine residue within the epidermal growth factor (EGF)-like repeat domain (PMID: 32457593, 20301673).

Literature cited by the submitters: PubMed 11755616; PubMed 19174371; PubMed 25344745.